The following is an entry in ClinVar:

NM_002907.4(RECQL):c.1278A>G (p.Ile426Met)

Gene: RECQL (RecQ like helicase; minus strand). Cytogenetic location: 12p12.1.
Variant type: single nucleotide variant.
Coding change: c.1278A>G on transcript NM_002907.4 (MANE Select); coding-DNA position 1278, A replaced by G.
Protein change: p.Ile426Met; replaces isoleucine 426 with methionine.
Molecular consequence: missense variant.
Genome position (GRCh38, 1-based): chr12:21,474,918, T>C on the plus strand (A>G on the coding strand, the complement: RECQL is on the minus strand). VCF-style: chr12-21474918-T-C. GRCh37 (hg19) VCF-style: chr12-21627852-T-C.
Other names: c.1278A>G, p.Ile426Met (NM_032941.3); short protein forms I426M.
Identifiers: ClinVar variation 1766997 (VCV001766997.3), dbSNP rs1418307849, ClinGen allele CA384118586.
Genomic context (GRCh38, chr12:21,474,918, plus strand): 5'-GTATGATACCATCTCATAAAGCTTCTGCTGTCCCACATTTTCCATCACCACCATTGAACT[T>C]ATTCTGAATATATCTCCAAAGCCGTAGTACAAAATACAGTCTGCTTTCATGTCATCTCGA-3'
Protein context (NP_002898.2, residues 416-436): LYYGFGDIFR[Ile426Met]SSMVVMENVG

ClinVar aggregate classification (germline): Uncertain significance (1 of 4 stars; one submission).

Allele frequency attached by ClinVar (database versions not stated): gnomAD 0.00001; gnomAD exomes 0.00001; TOPMed below 0.00001.
gnomAD v4.1: 11 of 1,613,036 alleles (0.00068%); highest among the groups gnomAD compares: Non-Finnish European, 0.00085%; no homozygotes.

Submission:

Ambry Genetics
Classification: Uncertain significance. Last evaluated: 2025-03-18. Review status: criteria provided, single submitter. Criteria: Ambry Variant Classification Scheme 2023. Collection method: clinical testing. Allele origin: germline.
Comment: The p.I426M variant (also known as c.1278A>G), located in coding exon 10 of the RECQL gene, results from an A to G substitution at nucleotide position 1278. The isoleucine at codon 426 is replaced by methionine, an amino acid with highly similar properties. This amino acid position is conserved. In addition, this alteration is predicted to be tolerated by in silico analysis. Since supporting evidence is limited at this time, the clinical significance of this alteration remains unclear.